The following is an entry in ClinVar:

ClinVar aggregate classification (germline): Uncertain significance (0 of 4 stars; one submission).

Allele frequency attached by ClinVar (database versions not stated): TOPMed below 0.00001.

Submission:

Richard Lifton Laboratory, Yale University School of Medicine
Classification: Uncertain significance. Review status: no assertion criteria provided. Collection method: not provided. Allele origin: somatic.
Comment: TRPM6
ClinVar note: Converted during submission from unknown to Uncertain significance.

NM_017662.5(TRPM6):c.2392-2A>G

Gene: TRPM6 (transient receptor potential cation channel subfamily M member 6; minus strand). Cytogenetic location: 9q21.13.
Variant type: single nucleotide variant.
Coding change: c.2392-2A>G on transcript NM_017662.5 (MANE Select); the canonical splice acceptor site of the intron before coding-DNA position 2392, A replaced by G.
Molecular consequence: splice acceptor variant.
Genome position (GRCh38, 1-based): chr9:74,792,772, T>C on the plus strand (A>G on the coding strand, the complement: TRPM6 is on the minus strand). VCF-style: chr9-74792772-T-C. GRCh37 (hg19) VCF-style: chr9-77407688-T-C.
Other names: c.2377-2A>G (NM_001177310.2, NM_001177311.2).
Identifiers: ClinVar variation 91996 (VCV000091996.2), dbSNP rs386352390, ClinGen allele CA232317.
Genomic context (GRCh38, chr9:74,792,772, plus strand): 5'-CCAAAATGCTGATTTTCATCCAGTTTCTCATCATGGCCCCTTTCCAAATCATACTCTTTC[T>C]ATAAAATAAACAAATAATCATTTTCTTGTCAGCAGCTTAACTAAAATAGTGACAAGCATG-3'